The following is an entry in ClinVar:

NM_025114.4(CEP290):c.3708G>A (p.Leu1236=)

Gene: CEP290 (centrosomal protein 290; minus strand). Cytogenetic location: 12q21.32.
Variant type: single nucleotide variant.
Coding change: c.3708G>A on transcript NM_025114.4 (MANE Select); coding-DNA position 3708, G replaced by A.
Protein change: p.Leu1236=; no amino-acid change (leucine 1236 retained).
Molecular consequence: synonymous variant.
Genome position (GRCh38, 1-based): chr12:88,089,353, C>T on the plus strand (G>A on the coding strand, the complement: CEP290 is on the minus strand). VCF-style: chr12-88089353-C-T. GRCh37 (hg19) VCF-style: chr12-88483130-C-T.
Other names: c.3708G>A (NM_025114.3).
Identifiers: ClinVar variation 2022556 (VCV002022556.5), dbSNP rs2500114598, ClinGen allele CA481077019.

ClinVar aggregate classification (germline): Likely benign. Review status: criteria provided, multiple submitters, no conflicts (2 of 4 stars). 2 submissions from 2 submitters: Likely benign (2). Last evaluated 2025-07-09.

Conditions:
CEP290-related disorder. Also called: CEP290-related condition; CEP290-related disorders. Identifiers: MedGen CN239314.
Nephronophthisis. Also called: Juvenile Nephronophthisis. Identifiers: Orphanet 655, MedGen C0687120, MONDO:0019005, HP:0000090.
Joubert syndrome. Also called: Familial aplasia of the vermis; JOUBERT-BOLTSHAUSER SYNDROME. Identifiers: Orphanet 475, MedGen C5979921, MONDO:0018772.
Meckel-Gruber syndrome. Also called: Dysencephalia splachnocystica; DYSENCEPHALIA SPLANCHNOCYSTICA; GRUBER SYNDROME. Identifiers: Orphanet 564, MedGen C0265215, MONDO:0018921.

Submissions (2):

PreventionGenetics, part of Exact Sciences
Classification: Likely benign for CEP290-related condition. Last evaluated: 2025-07-09. Review status: criteria provided, single submitter. Criteria: ACMG Guidelines, 2015. Collection method: clinical testing. Allele origin: germline.
Comment: This variant is classified as likely benign based on ACMG/AMP sequence variant interpretation guidelines (Richards et al. 2015 PMID: 25741868, with internal and published modifications).

Labcorp Genetics (formerly Invitae), Labcorp
Classification: Likely benign for Joubert syndrome; Meckel-Gruber syndrome; Nephronophthisis. Last evaluated: 2023-08-10. Review status: criteria provided, single submitter. Criteria: Invitae Variant Classification Sherloc (09022015). Collection method: clinical testing. Allele origin: germline.